The following is an entry in ClinVar:

NM_001199138.2(NLRC4):c.514G>A (p.Gly172Ser)

Gene: NLRC4 (NLR family CARD domain containing 4; minus strand). Cytogenetic location: 2p22.3.
Variant type: single nucleotide variant.
Coding change: c.514G>A on transcript NM_001199138.2 (MANE Select); coding-DNA position 514, G replaced by A.
Protein change: p.Gly172Ser; replaces glycine 172 with serine.
Molecular consequence: missense variant. On other transcripts: intron variant (1).
Genome position (GRCh38, 1-based): chr2:32,251,350, C>T on the plus strand (G>A on the coding strand, the complement: NLRC4 is on the minus strand). VCF-style: chr2-32251350-C-T. GRCh37 (hg19) VCF-style: chr2-32476419-C-T.
Other names: c.514G>A, p.Gly172Ser (NM_001199139.2, NM_021209.5); c.262+1069G>A (NM_001302504.1); short protein forms G172S.
Identifiers: ClinVar variation 808729 (VCV000808729.48), dbSNP rs1573495011, ClinGen allele CA346515767.

ClinVar aggregate classification (germline): Conflicting classifications of pathogenicity. Review status: criteria provided, conflicting classifications (1 of 4 stars). 3 submissions from 3 submitters: Likely pathogenic (2); Uncertain significance (1). Last evaluated 2022-08-01.

Conditions:
Familial cold autoinflammatory syndrome 4 (FCAS4). Identifiers: Orphanet 47045, Orphanet 576349, MedGen C4015276, MONDO:0014498, OMIM 616115.
Periodic fever-infantile enterocolitis-autoinflammatory syndrome. Also called: Autoinflammation with infantile enterocolitis. Identifiers: Orphanet 436166, MedGen C4015067, MONDO:0014472, OMIM 616050.

Submissions (3):

CeGaT Center for Human Genetics Tuebingen
Classification: Likely pathogenic. Last evaluated: 2022-08-01. Review status: criteria provided, single submitter. Criteria: CeGaT Center For Human Genetics Tuebingen Variant Classification Criteria Version 2. Collection method: clinical testing. Allele origin: germline. Affected: yes. Observed: 3 variant alleles.
Comment: NLRC4: PM1, PM2, PP1:Moderate, PS4:Supporting

Labcorp Genetics (formerly Invitae), Labcorp
Classification: Uncertain significance for Periodic fever-infantile enterocolitis-autoinflammatory syndrome; Familial cold autoinflammatory syndrome 4. Last evaluated: 2022-05-05. Review status: criteria provided, single submitter. Criteria: Invitae Variant Classification Sherloc (09022015). Collection method: clinical testing. Allele origin: germline.
Comment: This variant is not present in population databases (gnomAD no frequency). This sequence change replaces glycine, which is neutral and non-polar, with serine, which is neutral and polar, at codon 172 of the NLRC4 protein (p.Gly172Ser). This missense change has been observed in individual(s) with mild autoinflammation with recurrent urticaria (PMID: 34248956). ClinVar contains an entry for this variant (Variation ID: 808729). Algorithms developed to predict the effect of missense changes on protein structure and function (SIFT, PolyPhen-2, Align-GVGD) all suggest that this variant is likely to be disruptive. Experimental studies have shown that this missense change affects NLRC4 function (PMID: 34248956). In summary, the available evidence is currently insufficient to determine the role of this variant in disease. Therefore, it has been classified as a Variant of Uncertain Significance.

Institute for Medical Genetics and Human Genetics, Charité - Universitätsmedizin Berlin
Classification: Likely pathogenic for Familial cold autoinflammatory syndrome 4. Review status: criteria provided, single submitter. Criteria: ACMG Guidelines, 2015. Collection method: not provided. Allele origin: germline. Inheritance: Autosomal dominant inheritance. Affected: yes.

Literature cited by the submitters: PubMed 34248956 (cited by Labcorp Genetics (formerly Invitae), Labcorp).